The following is an entry in ClinVar:

NM_001048174.2(MUTYH):c.116-47C>T

Gene: MUTYH (mutY DNA glycosylase; minus strand). Cytogenetic location: 1p34.1.
Variant type: single nucleotide variant.
Coding change: c.116-47C>T on transcript NM_001048174.2 (MANE Select); 47 bases into the intron before coding-DNA position 116, C replaced by T.
Molecular consequence: intron variant.
Genome position (GRCh38, 1-based): chr1:45,333,608, G>A on the plus strand (C>T on the coding strand, the complement: MUTYH is on the minus strand). VCF-style: chr1-45333608-G-A. GRCh37 (hg19) VCF-style: chr1-45799280-G-A.
Other names: c.-92-111C>T (NM_001350651.2); c.-97-111C>T (NM_001293192.2, NM_001293196.2); c.-156-47C>T (NM_001350650.2); c.116-47C>T (NM_001048171.2, NM_001048173.2, NM_001293195.2); c.158-44C>T (NM_001293190.2); c.158-14C>T (NM_012222.3); c.158-5C>T (NM_001128425.2, NM_001128425.1); c.116-44C>T (NM_001048172.2); and 1 more.
Identifiers: ClinVar variation 1118495 (VCV001118495.10), dbSNP rs2149177553, ClinGen allele CA2499214780.

ClinVar aggregate classification (germline): Conflicting classifications of pathogenicity. Review status: criteria provided, conflicting classifications (1 of 4 stars). 2 submissions from 2 submitters: Uncertain significance (1); Likely benign (1). Last evaluated 2026-07-24.

Conditions:
Hereditary cancer-predisposing syndrome. Also called: Neoplastic Syndromes, Hereditary; Tumor predisposition; Hereditary Cancer Syndrome; Hereditary neoplastic syndrome. Identifiers: Orphanet 140162, MedGen C0027672, MeSH D009386, MONDO:0015356.
Familial adenomatous polyposis 2. Also called: MYH-associated polyposis; Adenomas, multiple colorectal; COLORECTAL ADENOMATOUS POLYPOSIS, AUTOSOMAL RECESSIVE; MUTYH-related attenuated familial adenomatous polyposis; ADENOMAS, MULTIPLE COLORECTAL, AUTOSOMAL RECESSIVE; FAP type 2. Identifiers: Orphanet 220460, Orphanet 247798, MedGen C3272841, MONDO:0012041, OMIM 608456.

Submissions (2):

Ambry Genetics
Classification: Uncertain significance for Hereditary cancer-predisposing syndrome. Last evaluated: 2026-07-24. Review status: criteria provided, single submitter. Criteria: Ambry Variant Classification Scheme 2023. Collection method: clinical testing. Allele origin: germline.
Comment: The c.158-5C>T intronic variant results from a C to T substitution 5 nucleotides upstream from coding exon 3 in the MUTYH gene. This nucleotide position is well conserved in available vertebrate species. In silico splice site analysis predicts that this alteration will not have any significant effect on splicing. Based on the available evidence, the clinical significance of this variant remains unclear.

Labcorp Genetics (formerly Invitae), Labcorp
Classification: Likely benign for Familial adenomatous polyposis 2. Last evaluated: 2022-10-04. Review status: criteria provided, single submitter. Criteria: Invitae Variant Classification Sherloc (09022015). Collection method: clinical testing. Allele origin: germline.